The following is an entry in ClinVar:

ClinVar aggregate classification (germline): Pathogenic/Likely pathogenic. Review status: criteria provided, multiple submitters, no conflicts (2 of 4 stars). 15 submissions from 12 submitters: Pathogenic (7); Likely pathogenic (4). 4 of the submissions do not count toward it. Last evaluated 2026-04-01.

Conditions:
Spermatogenic failure 72 (SPGF72). Identifiers: MedGen C5676980, MONDO:0030809, OMIM 619867.
Asphyxiating thoracic dystrophy 5 (SRTD5). Also called: SHORT-RIB THORACIC DYSPLASIA 5 WITH OR WITHOUT POLYDACTYLY; SHORT-RIB THORACIC DYSPLASIA 5 WITHOUT POLYDACTYLY. Identifiers: Orphanet 474, MedGen C3280598, MONDO:0013717, OMIM 614376.
Nephronophthisis 13 (NPHP13). Identifiers: Orphanet 655, MedGen C3280612, MONDO:0013718, OMIM 614377.
Cranioectodermal dysplasia 4 (CED4). Identifiers: Orphanet 1515, MedGen C3280616, MONDO:0013719, OMIM 614378.
Senior-Loken syndrome 8 (SLSN8). Identifiers: Orphanet 3156, MedGen C4225376, MONDO:0014579, OMIM 616307.
WDR19-related disorder. Also called: WDR19-related disorders; WDR19-related condition. Identifiers: MedGen CN380161.
Leber congenital amaurosis (LCA). Also called: Leber's amaurosis. Identifiers: Orphanet 65, MedGen C0339527, MeSH D057130, MONDO:0018998.
Cranioectodermal dysplasia. Also called: Cranioectoderma; SENSENBRENNER SYNDROME. Identifiers: Orphanet 1515, MedGen C4551571, MONDO:0009032.

Allele frequency attached by ClinVar (database versions not stated): gnomAD exomes 0.00004 and 0.00005; ExAC 0.00013; gnomAD 0.00015; 1000 Genomes Project 30x 0.00016; ESP Exome Variant Server 0.00016; 1000 Genomes Project 0.00020; TOPMed 0.00022.
gnomAD v4.1: 85 of 1,605,326 alleles (0.0053%); highest among the groups gnomAD compares: African/African-American, 0.064%; no homozygotes.

Submissions (15):

Department of Genetics, Sultan Qaboos University Hospital
Classification: Likely pathogenic for Nephronophthisis 13. Last evaluated: 2026-04-01. Review status: criteria provided, single submitter. Criteria: ACMG Guidelines, 2015. Collection method: clinical testing. Allele origin: germline. Affected: yes. Observed: 1 variant allele.
Comment: PP1_Strong, PM2_Supporting, PP4_Supporting, PM3_Strong

GeneDx
Classification: Pathogenic. Last evaluated: 2025-11-22. Review status: criteria provided, single submitter. Criteria: GeneDx Variant Classification Process June 2021. Collection method: clinical testing. Allele origin: germline. Affected: yes.
Comment: In silico analysis supports that this missense variant has a deleterious effect on protein structure/function; This variant is associated with the following publications: (PMID: 23559409, 25726036, 27596865, 28621010, 29121203, 31964843, 26260382, 29145603, 28973083, 29127259, 33875766, 31844813, 31216405, 32165824, 32604935, 34354814, 33323469, 34216551, 38589766, 38163131, 37269901, 38868576, 37230223, 38318288)

Labcorp Genetics (formerly Invitae), Labcorp
Classification: Pathogenic for Senior-Loken syndrome 8; Asphyxiating thoracic dystrophy 5. Last evaluated: 2025-11-17. Review status: criteria provided, single submitter. Criteria: Invitae Variant Classification Sherloc (09022015). Collection method: clinical testing. Allele origin: germline.
Comment: This sequence change replaces arginine, which is basic and polar, with glutamine, which is neutral and polar, at codon 1178 of the WDR19 protein (p.Arg1178Gln). This variant is present in population databases (rs79436363, gnomAD 0.03%). This missense change has been observed in individual(s) with nephronophthisis (PMID: 23559409, 25726036, 27596865, 28621010). In at least one individual the data is consistent with being in trans (on the opposite chromosome) from a pathogenic variant. It has also been observed to segregate with disease in related individuals. ClinVar contains an entry for this variant (Variation ID: 127158). Invitae Evidence Modeling of protein sequence and biophysical properties (such as structural, functional, and spatial information, amino acid conservation, physicochemical variation, residue mobility, and thermodynamic stability) has been performed for this missense variant. However, the output from this modeling did not meet the statistical confidence thresholds required to predict the impact of this variant on WDR19 protein function. For these reasons, this variant has been classified as Pathogenic.

Department of Genetics, Sultan Qaboos University Hospital
Classification: Likely pathogenic for Senior-Loken syndrome 8. Last evaluated: 2024-12-29. Review status: criteria provided, single submitter. Criteria: ACMG Guidelines, 2015. Collection method: curation. Allele origin: unknown. Affected: yes.

Blueprint Genetics
Classification: Pathogenic for WDR19-related disorders. Last evaluated: 2024-05-31. Review status: criteria provided, single submitter. Criteria: ACMG Guidelines, 2015. Collection method: clinical testing. Allele origin: germline. Affected: yes. Observed: 5 variant alleles.

Fulgent Genetics
Classification: Pathogenic for Asphyxiating thoracic dystrophy 5; Nephronophthisis 13; Cranioectodermal dysplasia 4; Senior-Loken syndrome 8; Spermatogenic failure 72. Last evaluated: 2024-02-27. Review status: criteria provided, single submitter. Criteria: ACMG Guidelines, 2015. Collection method: clinical testing. Allele origin: germline.

Rady Children's Institute for Genomic Medicine, Rady Children's Hospital San Diego
Classification: Pathogenic for WDR19-Related Disorders. Last evaluated: 2023-12-08. Review status: criteria provided, single submitter. Criteria: ACMG Guidelines, 2015. Collection method: clinical testing. Allele origin: germline. Affected: yes.
Comment: The c.3533G>A (p.Arg1178Gln) variant affects a moderately conserved amino acid and in silico tools used to predict the effect of this variant on protein function yield discordant results. This variant has been previously reported as a compound heterozygous and homozygous change in patients with WDR19-related disorders (PMID: 23559409, 25726036, 28621010, 28973083, 29127259, 31844813, 32165824). The c.3533G>A (p.Arg1178Gln) variant is present in the heterozygous state in the gnomAD population database at a frequency of 0.006% (17/267854), and is absent in the homozygous state, thus is presumed to be rare. Based on the available evidence, c.3533G>A (p.Arg1178Gln) is classified as Pathogenic.

Department of Pathology and Laboratory Medicine, Sinai Health System
Classification: Likely pathogenic for Nephronophthisis 13; Cranioectodermal dysplasia 4; Senior-Loken syndrome 8; Asphyxiating thoracic dystrophy 5. Last evaluated: 2023-01-26. Review status: criteria provided, single submitter. Criteria: ACMG Guidelines, 2015. Collection method: research. Allele origin: germline.

Institute of Vision Research, Yonsei University College of Medicine
Classification: Likely pathogenic for Leber congenital amaurosis. Last evaluated: 2020-07-09. Review status: criteria provided, single submitter. Criteria: ACMG Guidelines, 2015. Collection method: clinical testing. Allele origin: germline. Inheritance: Autosomal recessive inheritance. Affected: yes. Observed: 1 homozygote.

Eurofins Ntd Llc (ga)
Classification: Pathogenic. Last evaluated: 2018-04-24. Review status: criteria provided, single submitter. Criteria: EGL ClinVar v180209 classification definitions. Collection method: clinical testing. Allele origin: germline. Observed: 1 variant allele, 1 heterozygote.

Baylor Genetics
Classification: Pathogenic for Nephronophthisis 13; Senior-Loken syndrome 8. Last evaluated: 2017-12-31. Review status: criteria provided, single submitter. Criteria: ACMG Guidelines, 2015. Collection method: clinical testing. Allele origin: germline. Affected: yes.

OMIM
Classification: Pathogenic for SENIOR-LOKEN SYNDROME 8. Last evaluated: 2013-08-01. Review status: no assertion criteria provided. Collection method: literature only. Allele origin: germline. Not counted in ClinVar's aggregate classification.

OMIM
Classification: Pathogenic for NEPHRONOPHTHISIS 13. Last evaluated: 2013-08-01. Review status: no assertion criteria provided. Collection method: literature only. Allele origin: germline. Not counted in ClinVar's aggregate classification.

OMIM
Classification: Pathogenic for CRANIOECTODERMAL DYSPLASIA 4. Last evaluated: 2013-08-01. Review status: no assertion criteria provided. Collection method: literature only. Allele origin: germline. Not counted in ClinVar's aggregate classification.

Rare Disease Group, Clinical Genetics, Karolinska Institutet
Classification: Uncertain significance for Cranioectodermal dysplasia. Last evaluated: 2018-05-01. Review status: flagged submission. Criteria: ACMG Guidelines, 2015. Collection method: research. Allele origin: unknown. Inheritance: Autosomal recessive inheritance. Affected: yes. Not counted in ClinVar's aggregate classification.
ClinVar note: Reason: Older and outlier claim with insufficient supporting evidence

Literature cited by the submitters: PubMed 23559409 (cited by 3 submitters); PubMed 25726036 (cited by 4 submitters); PubMed 27596865 (cited by Labcorp Genetics (formerly Invitae), Labcorp and Baylor Genetics); PubMed 28621010 (cited by 3 submitters); PubMed 32165824 (cited by Institute of Vision Research, Yonsei University College of Medicine); PubMed 26260382 (cited by Eurofins Ntd Llc (ga)).

NM_025132.4(WDR19):c.3533G>A (p.Arg1178Gln)

Gene: WDR19 (WD repeat domain 19; plus strand). Cytogenetic location: 4p14.
Variant type: single nucleotide variant.
Coding change: c.3533G>A on transcript NM_025132.4 (MANE Select); coding-DNA position 3533, G replaced by A.
Protein change: p.Arg1178Gln; replaces arginine 1178 with glutamine.
Molecular consequence: missense variant.
Genome position (GRCh38, 1-based): chr4:39,273,029, G>A. VCF-style: chr4-39273029-G-A. GRCh37 (hg19) VCF-style: chr4-39274649-G-A.
Other names: c.3053G>A, p.Arg1018Gln (NM_001317924.2); short protein forms R1178Q, R1018Q.
Identifiers: ClinVar variation 127158 (VCV000127158.27), dbSNP rs79436363, ClinGen allele CA151412.